The following is an entry in ClinVar:

ClinVar aggregate classification (germline): Uncertain significance (1 of 4 stars; one submission).

gnomAD v4.1: 1 of 1,613,132 alleles (0.000062%); highest among the groups gnomAD compares: Non-Finnish European, 0.000085%; no homozygotes.

Submission:

Labcorp Genetics (formerly Invitae), Labcorp
Classification: Uncertain significance. Last evaluated: 2022-02-19. Review status: criteria provided, single submitter. Criteria: Invitae Variant Classification Sherloc (09022015). Collection method: clinical testing. Allele origin: germline.
Comment: This sequence change replaces proline, which is neutral and non-polar, with alanine, which is neutral and non-polar, at codon 937 of the COL2A1 protein (p.Pro937Ala). This variant is not present in population databases (gnomAD no frequency). This variant has not been reported in the literature in individuals affected with COL2A1-related conditions. Advanced modeling of protein sequence and biophysical properties (such as structural, functional, and spatial information, amino acid conservation, physicochemical variation, residue mobility, and thermodynamic stability) performed at Invitae indicates that this missense variant is not expected to disrupt COL2A1 protein function. In summary, the available evidence is currently insufficient to determine the role of this variant in disease. Therefore, it has been classified as a Variant of Uncertain Significance.

NM_001844.5(COL2A1):c.2809C>G (p.Pro937Ala)

Gene: COL2A1 (collagen type II alpha 1 chain; minus strand). Cytogenetic location: 12q13.11.
Variant type: single nucleotide variant.
Coding change: c.2809C>G on transcript NM_001844.5 (MANE Select); coding-DNA position 2809, C replaced by G.
Protein change: p.Pro937Ala; replaces proline 937 with alanine.
Molecular consequence: missense variant.
Genome position (GRCh38, 1-based): chr12:47,978,683, G>C on the plus strand (C>G on the coding strand, the complement: COL2A1 is on the minus strand). VCF-style: chr12-47978683-G-C. GRCh37 (hg19) VCF-style: chr12-48372466-G-C.
Other names: c.2602C>G, p.Pro868Ala (NM_033150.3); short protein forms P937A, P868A.
Identifiers: ClinVar variation 2099789 (VCV002099789.4), dbSNP rs1440896814, ClinGen allele CA384542209.
Genomic context (GRCh38, chr12:47,978,683, plus strand): 5'-CCTTCTCGCCAGGGGGTCCAGCAGGACCTTGGAGGCCGGGTTCACCAGCTCGGCCAGGGG[G>C]GCCGCTGTCTCCTCGAGCACCTTTGGGACCATCTTTTCCAGAAGGACCAGGGGGACCAGG-3'
Protein context (NP_001835.3, residues 927-947): GPKGARGDSG[Pro937Ala]PGRAGEPGLQ